The following is an entry in ClinVar:

ClinVar aggregate classification (germline): Pathogenic (1 of 4 stars; one submission).

Conditions:
Lynch syndrome 5 (LYNCH5). Also called: Colorectal cancer, hereditary nonpolyposis, type 5; Hereditary non-polyposis colorectal cancer, type 5. Identifiers: Orphanet 144, MedGen C1833477, MONDO:0013710, OMIM 614350. Disease mechanism: loss of function.

Submission:

Myriad Genetics, Inc.
Classification: Pathogenic for Lynch syndrome 5. Last evaluated: 2025-01-06. Review status: criteria provided, single submitter. Criteria: Myriad Autosomal Dominant, Autosomal Recessive and X-Linked Classification Criteria (2023). Collection method: clinical testing. Allele origin: unknown.
Comment: This variant is considered pathogenic. This variant creates a frameshift predicted to result in premature protein truncation.

NM_000179.3(MSH6):c.1067del (p.Gly356fs)

Gene: MSH6 (mutS homolog 6; plus strand). Cytogenetic location: 2p16.3.
Variant type: Deletion.
Coding change: c.1067del on transcript NM_000179.3 (MANE Select); coding-DNA position 1067, one base deleted (G; older notation c.1067delG).
Protein change: p.Gly356fs; shifts the reading frame from glycine 356.
Molecular consequence: frameshift variant. On other transcripts: non-coding transcript variant (4), intron variant (1).
Genome position (GRCh38, 1-based): chr2:47,799,050, G deleted; the last of 2 consecutive G bases (chr2:47,799,049-47,799,050); deleting either gives the same sequence. VCF-style (leftmost placement, unchanged base first): chr2-47799048-TG-T. GRCh37 (hg19) VCF-style: chr2-48026187-TG-T.
Other names: c.677del, p.Gly226fs (NM_001281492.2); c.161del, p.Gly54fs (NM_001281493.2, NM_001281494.2, NM_001406811.1 and 6 more transcripts); c.1163del, p.Gly388fs (NM_001406795.1, NM_001406802.1); c.1067del, p.Gly356fs (NM_001406796.1, NM_001406798.1, NM_001406800.1 and 4 more transcripts); c.770del, p.Gly257fs (NM_001406797.1, NM_001406801.1, NM_001406805.1 and 10 more transcripts); c.542del, p.Gly181fs (NM_001406799.1, NM_001406806.1, NM_001406807.1); c.989del, p.Gly330fs (NM_001406804.1); c.1073del, p.Gly358fs (NM_001406813.1); and 2 more; short protein forms G181fs, G226fs, G257fs, G300fs, G330fs, G356fs, G358fs, G388fs.
Identifiers: ClinVar variation 3904695 (VCV003904695.1).